The following is an entry in ClinVar:

NM_017654.4(SAMD9):c.1803T>G (p.Ile601Met)

Gene: SAMD9 (sterile alpha motif domain containing 9; minus strand). Cytogenetic location: 7q21.2.
Variant type: single nucleotide variant.
Coding change: c.1803T>G on transcript NM_017654.4 (MANE Select); coding-DNA position 1803, T replaced by G.
Protein change: p.Ile601Met; replaces isoleucine 601 with methionine.
Molecular consequence: missense variant.
Genome position (GRCh38, 1-based): chr7:93,104,295, A>C on the plus strand (T>G on the coding strand, the complement: SAMD9 is on the minus strand). VCF-style: chr7-93104295-A-C. GRCh37 (hg19) VCF-style: chr7-92733608-A-C.
Other names: c.1803T>G, p.Ile601Met (NM_001193307.2); short protein forms I601M.
Identifiers: ClinVar variation 2874882 (VCV002874882.3), dbSNP rs2535359809, ClinGen allele CA368194592.

ClinVar aggregate classification (germline): Uncertain significance (1 of 4 stars; one submission).

Submission:

Labcorp Genetics (formerly Invitae), Labcorp
Classification: Uncertain significance. Last evaluated: 2023-02-13. Review status: criteria provided, single submitter. Criteria: Invitae Variant Classification Sherloc (09022015). Collection method: clinical testing. Allele origin: germline.
Comment: In summary, the available evidence is currently insufficient to determine the role of this variant in disease. Therefore, it has been classified as a Variant of Uncertain Significance. Advanced modeling of protein sequence and biophysical properties (such as structural, functional, and spatial information, amino acid conservation, physicochemical variation, residue mobility, and thermodynamic stability) performed at Invitae indicates that this missense variant is not expected to disrupt SAMD9 protein function. This variant has not been reported in the literature in individuals affected with SAMD9-related conditions. This variant is not present in population databases (gnomAD no frequency). This sequence change replaces isoleucine, which is neutral and non-polar, with methionine, which is neutral and non-polar, at codon 601 of the SAMD9 protein (p.Ile601Met).